The following is an entry in ClinVar:

NM_002788.4(PSMA3):c.724-2A>G

Genes: PSMA3 (proteasome 20S subunit alpha 3; plus strand), PSMA3-AS1 (PSMA3 antisense RNA 1; minus strand). Cytogenetic location: 14q23.1.
Variant type: single nucleotide variant.
Coding change: c.724-2A>G on transcript NM_002788.4 (MANE Select); the canonical splice acceptor site of the intron before coding-DNA position 724, A replaced by G.
Molecular consequence: splice acceptor variant.
Genome position (GRCh38, 1-based): chr14:58,271,849, A>G. VCF-style: chr14-58271849-A-G. GRCh37 (hg19) VCF-style: chr14-58738567-A-G.
Other names: c.703-2A>G (NM_152132.3).
Identifiers: ClinVar variation 3725101 (VCV003725101.2).
Genomic context (GRCh38, chr14:58,271,849, plus strand): 5'-CCACAGGTGTGGGATATAACAATTTTAAAAATCAATTTTAAACACCTGTTTTCTCTTAAC[A>G]GGAATCTCTGAAGGAAGAAGATGAATCAGATGATGATAATATGTAACATTTACTCCAGCA-3'

ClinVar aggregate classification (germline): Uncertain significance (1 of 4 stars; one submission).

Submission:

Labcorp Genetics (formerly Invitae), Labcorp
Classification: Uncertain significance. Last evaluated: 2024-11-18. Review status: criteria provided, single submitter. Criteria: Invitae Variant Classification Sherloc (09022015). Collection method: clinical testing. Allele origin: germline.
Comment: This sequence change falls in intron 10 of the PSMA3 gene. It does not directly change the encoded amino acid sequence of the PSMA3 protein. It affects a nucleotide within the consensus splice site. This variant is not present in population databases (gnomAD no frequency). This variant has not been reported in the literature in individuals affected with PSMA3-related conditions. Variants that disrupt the consensus splice site are a relatively common cause of aberrant splicing (PMID: 17576681, 9536098). Algorithms developed to predict the effect of sequence changes on RNA splicing suggest that this variant may disrupt the consensus splice site. In summary, the available evidence is currently insufficient to determine the role of this variant in disease. Therefore, it has been classified as a Variant of Uncertain Significance.

Literature cited by the submitters: PubMed 17576681; PubMed 9536098.